The following is an entry in ClinVar:

ClinVar aggregate classification (germline): Uncertain significance (1 of 4 stars; one submission).

Submission:

Labcorp Genetics (formerly Invitae), Labcorp
Classification: Uncertain significance. Last evaluated: 2025-08-16. Review status: criteria provided, single submitter. Criteria: Invitae Variant Classification Sherloc (09022015). Collection method: clinical testing. Allele origin: germline.
Comment: This sequence change replaces threonine, which is neutral and polar, with methionine, which is neutral and non-polar, at codon 1706 of the ITSN1 protein (p.Thr1706Met). This variant is present in population databases (no rsID available, gnomAD 0.002%). This variant has not been reported in the literature in individuals affected with ITSN1-related conditions. An algorithm developed to predict the effect of missense changes on protein structure and function (PolyPhen-2) suggests that this variant is likely to be disruptive. In summary, the available evidence is currently insufficient to determine the role of this variant in disease. Therefore, it has been classified as a Variant of Uncertain Significance.

NM_003024.3(ITSN1):c.5117C>T (p.Thr1706Met)

Gene: ITSN1 (intersectin 1; plus strand). Cytogenetic location: 21q22.11.
Variant type: single nucleotide variant.
Coding change: c.5117C>T on transcript NM_003024.3 (MANE Select); coding-DNA position 5117, C replaced by T.
Protein change: p.Thr1706Met; replaces threonine 1706 with methionine.
Molecular consequence: missense variant.
Genome position (GRCh38, 1-based): chr21:33,888,251, C>T. VCF-style: chr21-33888251-C-T. GRCh37 (hg19) VCF-style: chr21-35260555-C-T.
Other names: c.5102C>T, p.Thr1701Met (NM_001331010.2); short protein forms T1706M, T1701M.
Identifiers: ClinVar variation 4725510 (VCV004725510.1).